The following is an entry in ClinVar:

NM_003466.4(PAX8):c.530G>T (p.Gly177Val)

Genes: PAX8 (paired box 8; minus strand), PAX8-AS1 (PAX8 antisense RNA 1; plus strand), LOC126806316 (P300/CBP strongly-dependent group 1 enhancer GRCh37_chr2:113998497-113999696; plus strand). Cytogenetic location: 2q14.1.
Variant type: single nucleotide variant.
Coding change: c.530G>T on transcript NM_003466.4 (MANE Select); coding-DNA position 530, G replaced by T.
Protein change: p.Gly177Val; replaces glycine 177 with valine.
Molecular consequence: missense variant.
Genome position (GRCh38, 1-based): chr2:113,242,079, C>A on the plus strand (G>T on the coding strand, the complement: PAX8 is on the minus strand). VCF-style: chr2-113242079-C-A. GRCh37 (hg19) VCF-style: chr2-113999656-C-A.
Other names: c.530G>T, p.Gly177Val (NM_013952.4, NM_013953.4, NM_013992.4); short protein forms G177V.
Identifiers: ClinVar variation 2629114 (VCV002629114.2), dbSNP rs201419236, ClinGen allele CA1840199.
Genomic context (GRCh38, chr2:113,242,079, plus strand): 5'-TTCCTCTTGTCGCTGCCAGGCTGAGCGATGCCCAGGAGCCCATTGATGGAGTAGGTGGAG[C>A]CCAGGGAATCCGACTGGGGTGACTCCGGGGGAGTTACAGCTGAGCTGGGGACTGCAGTGG-3'
Protein context (NP_003457.1, residues 167-187): PPESPQSDSL[Gly177Val]STYSINGLLG

ClinVar aggregate classification (germline): Uncertain significance. Review status: criteria provided, multiple submitters, no conflicts (2 of 4 stars). 2 submissions from 2 submitters: Uncertain significance (2). Last evaluated 2025-08-02.

Conditions:
PAX8-related disorder. Also called: PAX8-related condition.
Inborn genetic diseases. Identifiers: MedGen C0950123, MeSH D030342.

Allele frequency attached by ClinVar (database versions not stated): 1000 Genomes Project 0.00020; 1000 Genomes Project 30x 0.00031.
gnomAD v4.1: 37 of 1,613,624 alleles (0.0023%); highest among the groups gnomAD compares: Non-Finnish European, 0.003%; no homozygotes.

Submissions (2):

Ambry Genetics
Classification: Uncertain significance for Inborn genetic diseases. Last evaluated: 2025-08-02. Review status: criteria provided, single submitter. Criteria: Ambry Variant Classification Scheme 2023. Collection method: clinical testing. Allele origin: germline.

PreventionGenetics, part of Exact Sciences
Classification: Uncertain significance for PAX8-related condition. Last evaluated: 2023-01-12. Review status: criteria provided, single submitter. Criteria: ACMG Guidelines, 2015. Collection method: clinical testing. Allele origin: germline.
Comment: The PAX8 c.530G>T variant is predicted to result in the amino acid substitution p.Gly177Val. To our knowledge, this variant has not been reported in the literature. This variant is reported in 0.0031% of alleles in individuals of European (Non-Finnish) descent in gnomAD. At this time, the clinical significance of this variant is uncertain due to the absence of conclusive functional and genetic evidence.